The following is an entry in ClinVar:

ClinVar aggregate classification (germline): Uncertain significance (1 of 4 stars; one submission).

Allele frequency attached by ClinVar (database versions not stated): gnomAD exomes 0.00001; ExAC 0.00002; gnomAD 0.00004; TOPMed 0.00005; ESP Exome Variant Server 0.00008.
gnomAD v4.1: 22 of 1,613,964 alleles (0.0014%); highest among the groups gnomAD compares: East Asian, 0.022%; no homozygotes.

Submission:

Ambry Genetics
Classification: Uncertain significance. Last evaluated: 2021-06-20. Review status: criteria provided, single submitter. Criteria: Ambry Variant Classification Scheme 2023. Collection method: clinical testing. Allele origin: germline.
Comment: The p.R154Q variant (also known as c.461G>A), located in coding exon 6 of the RAD54L gene, results from a G to A substitution at nucleotide position 461. The arginine at codon 154 is replaced by glutamine, an amino acid with highly similar properties. This amino acid position is conserved. In addition, this alteration is predicted to be deleterious by in silico analysis. Since supporting evidence is limited at this time, the clinical significance of this alteration remains unclear.

NM_003579.4(RAD54L):c.461G>A (p.Arg154Gln)

Gene: RAD54L (RAD54 like; plus strand). Cytogenetic location: 1p34.1.
Variant type: single nucleotide variant.
Coding change: c.461G>A on transcript NM_003579.4 (MANE Select); coding-DNA position 461, G replaced by A.
Protein change: p.Arg154Gln; replaces arginine 154 with glutamine.
Molecular consequence: missense variant. On other transcripts: 5 prime UTR variant (1).
Genome position (GRCh38, 1-based): chr1:46,260,595, G>A. VCF-style: chr1-46260595-G-A. GRCh37 (hg19) VCF-style: chr1-46726267-G-A.
Other names: c.461G>A, p.Arg154Gln (NM_001142548.2); c.-80G>A (NM_001370766.1); short protein forms R154Q.
Identifiers: ClinVar variation 1741949 (VCV001741949.2), dbSNP rs371935755, ClinGen allele CA834261.